The following is an entry in ClinVar:

NM_001458.5(FLNC):c.2172del (p.Thr725fs)

Gene: FLNC (filamin C; plus strand). Cytogenetic location: 7q32.1.
Variant type: Deletion.
Coding change: c.2172del on transcript NM_001458.5 (MANE Select); coding-DNA position 2172, one base deleted (C; older notation c.2172delC).
Protein change: p.Thr725fs; shifts the reading frame from threonine 725.
Molecular consequence: frameshift variant.
Genome position (GRCh38, 1-based): chr7:128,842,281, C deleted. VCF-style (leftmost placement, unchanged base first): chr7-128842280-GC-G. GRCh37 (hg19) VCF-style: chr7-128482334-GC-G.
Other names: c.2172del, p.Thr725fs (NM_001127487.2); c.2172delC, p.Thr725Profs (NM_001458.4); short protein forms T725fs.
Identifiers: ClinVar variation 3898857 (VCV003898857.1).

ClinVar aggregate classification (germline): Pathogenic (1 of 4 stars; one submission).

Submission:

GeneDx
Classification: Pathogenic. Last evaluated: 2024-11-11. Review status: criteria provided, single submitter. Criteria: GeneDx Variant Classification Process June 2021. Collection method: clinical testing. Allele origin: germline. Affected: yes.
Comment: Has not been previously published as pathogenic or benign to our knowledge; Not observed at significant frequency in large population cohorts (gnomAD); Frameshift variant predicted to result in protein truncation or nonsense mediated decay in a gene for which loss of function is a known mechanism of disease